The following is an entry in ClinVar:

NM_006842.3(SF3B2):c.2477TGGCGC[1] (p.Leu828_Ala829del)

Genes: SF3B2 (splicing factor 3b subunit 2; plus strand), LOC130006095 (ATAC-STARR-seq lymphoblastoid active region 5029; plus strand). Cytogenetic location: 11q13.1.
Variant type: Microsatellite.
Coding change: c.2477TGGCGC[1] on transcript NM_006842.3 (MANE Select); one copy of the 6-base unit TGGCGC starting at c.2477; the reference has two copies in a row; one copy, 6 bases deleted.
Protein change: p.Leu828_Ala829del.
Molecular consequence: inframe deletion.
Genome position (GRCh38, 1-based): chr11:66,068,200-66,068,205, TGGCGC deleted; deleting any 6 consecutive bases within chr11:66,068,194-66,068,205 gives the same sequence; the position shown is the placement nearest the transcript's 3' end. VCF-style (leftmost placement, unchanged base first): chr11-66068193-GTGGCGC-G. GRCh37 (hg19) VCF-style: chr11-65835664-GTGGCGC-G.
Identifiers: ClinVar variation 4071742 (VCV004071742.1).
Genomic context (GRCh38, chr11:66,068,193, plus strand): 5'-TGATCTCCTTTCCAGGTTATGAGCCGGAAGGGCCCGGCTCCTGAGCTGCAAGGTGTGGAA[GTGGCGC>G]TGGCGCCTGAAGAGTTGGAGCTGGATCCTATGGCCATGACCCAGAAGTATGAGGAGCATG-3'

ClinVar aggregate classification (germline): Uncertain significance (1 of 4 stars; one submission).

Submission:

GeneDx
Classification: Uncertain significance. Last evaluated: 2025-01-26. Review status: criteria provided, single submitter. Criteria: GeneDx Variant Classification Process June 2021. Collection method: clinical testing. Allele origin: germline. Affected: yes.
Comment: Has not been previously published as pathogenic or benign to our knowledge; In silico analysis indicates that this variant does not alter protein structure/function; Not observed at significant frequency in large population cohorts (gnomAD); In-frame deletion of 2 amino acids in a non-repeat region